The following is an entry in ClinVar:

NM_004370.6(COL12A1):c.6652G>A (p.Asp2218Asn)

Gene: COL12A1 (collagen type XII alpha 1 chain; minus strand). Cytogenetic location: 6q13.
Variant type: single nucleotide variant.
Coding change: c.6652G>A on transcript NM_004370.6 (MANE Select); coding-DNA position 6652, G replaced by A.
Protein change: p.Asp2218Asn; replaces aspartic acid 2218 with asparagine.
Molecular consequence: missense variant.
Genome position (GRCh38, 1-based): chr6:75,124,327, C>T on the plus strand (G>A on the coding strand, the complement: COL12A1 is on the minus strand). VCF-style: chr6-75124327-C-T. GRCh37 (hg19) VCF-style: chr6-75834043-C-T.
Other names: c.6652G>A, p.Asp2218Asn (NM_001424113.1); c.6631G>A, p.Asp2211Asn (NM_001424114.1); c.6379G>A, p.Asp2127Asn (NM_001424115.1); c.3160G>A, p.Asp1054Asn (NM_001424116.1, NM_080645.3); short protein forms D1054N, D2127N, D2211N, D2218N.
Identifiers: ClinVar variation 3748372 (VCV003748372.2).

ClinVar aggregate classification (germline): Uncertain significance (1 of 4 stars; one submission).

Conditions:
Ullrich congenital muscular dystrophy 2 (UCMD2). Identifiers: Orphanet 75840, MedGen C4225314, MONDO:0014654, OMIM 616470.
Bethlem myopathy 2 (BTHLM2). Identifiers: Orphanet 536516, Orphanet 610, MedGen C4225313, MONDO:0034022, OMIM 616471.

gnomAD v4.1: 2 of 1,613,070 alleles (0.00012%); highest among the groups gnomAD compares: Non-Finnish European, 0.00017%; no homozygotes.

Submission:

Labcorp Genetics (formerly Invitae), Labcorp
Classification: Uncertain significance for Bethlem myopathy 2; Ullrich congenital muscular dystrophy 2. Last evaluated: 2024-11-14. Review status: criteria provided, single submitter. Criteria: Invitae Variant Classification Sherloc (09022015). Collection method: clinical testing. Allele origin: germline.
Comment: This sequence change replaces aspartic acid, which is acidic and polar, with asparagine, which is neutral and polar, at codon 2218 of the COL12A1 protein (p.Asp2218Asn). This variant is not present in population databases (gnomAD no frequency). This variant has not been reported in the literature in individuals affected with COL12A1-related conditions. Invitae Evidence Modeling of protein sequence and biophysical properties (such as structural, functional, and spatial information, amino acid conservation, physicochemical variation, residue mobility, and thermodynamic stability) indicates that this missense variant is not expected to disrupt COL12A1 protein function with a negative predictive value of 80%. In summary, the available evidence is currently insufficient to determine the role of this variant in disease. Therefore, it has been classified as a Variant of Uncertain Significance.